The following is an entry in ClinVar:

ClinVar aggregate classification (germline): Uncertain significance (1 of 4 stars; one submission).

Conditions:
Bardet-Biedl syndrome (BBS). Identifiers: Orphanet 110, MedGen C0752166, MONDO:0015229.

Allele frequency attached by ClinVar (database versions not stated): gnomAD exomes below 0.00001.

Submission:

Labcorp Genetics (formerly Invitae), Labcorp
Classification: Uncertain significance for Bardet-Biedl syndrome. Last evaluated: 2023-06-19. Review status: criteria provided, single submitter. Criteria: Invitae Variant Classification Sherloc (09022015). Collection method: clinical testing. Allele origin: germline.
Comment: Advanced modeling of protein sequence and biophysical properties (such as structural, functional, and spatial information, amino acid conservation, physicochemical variation, residue mobility, and thermodynamic stability) performed at Invitae indicates that this missense variant is expected to disrupt WDPCP protein function. ClinVar contains an entry for this variant (Variation ID: 1397904). This variant has not been reported in the literature in individuals affected with WDPCP-related conditions. This variant is present in population databases (no rsID available, gnomAD 0.0009%). This sequence change replaces serine, which is neutral and polar, with alanine, which is neutral and non-polar, at codon 45 of the WDPCP protein (p.Ser45Ala). In summary, the available evidence is currently insufficient to determine the role of this variant in disease. Therefore, it has been classified as a Variant of Uncertain Significance.

NM_015910.7(WDPCP):c.133T>G (p.Ser45Ala)

Gene: WDPCP (WD repeat containing planar cell polarity effector; minus strand). Cytogenetic location: 2p15.
Variant type: single nucleotide variant.
Coding change: c.133T>G on transcript NM_015910.7 (MANE Select); coding-DNA position 133, T replaced by G.
Protein change: p.Ser45Ala; replaces serine 45 with alanine.
Molecular consequence: missense variant. On other transcripts: non-coding transcript variant (2).
Genome position (GRCh38, 1-based): chr2:63,492,883, A>C on the plus strand (T>G on the coding strand, the complement: WDPCP is on the minus strand). VCF-style: chr2-63492883-A-C. GRCh37 (hg19) VCF-style: chr2-63720017-A-C.
Other names: c.61T>G, p.Ser21Ala (NM_001354044.2); c.133T>G, p.Ser45Ala (NM_001354045.2); short protein forms S21A, S45A.
Identifiers: ClinVar variation 1397904 (VCV001397904.6), dbSNP rs1232978776, ClinGen allele CA347066354.